The following is an entry in ClinVar:

ClinVar aggregate classification (germline): Likely benign. Review status: criteria provided, single submitter (1 of 4 stars). 2 submissions from 2 submitters: Likely benign (1). 1 of the submissions does not count toward it. Last evaluated 2024-09-23.

Conditions:
FSIP2-related disorder. Also called: FSIP2-related condition.

Allele frequency attached by ClinVar (database versions not stated): gnomAD exomes 0.00052; ExAC 0.00074; 1000 Genomes Project 0.00319; 1000 Genomes Project 30x 0.00344; gnomAD 0.00366; TOPMed 0.00459.
gnomAD v4.1: 1,320 of 1,532,466 alleles (0.086%); highest among the groups gnomAD compares: African/African-American, 1.3%; 4 homozygotes.

Submissions (2):

Blueprint Genetics
Classification: Likely benign. Last evaluated: 2024-09-23. Review status: criteria provided, single submitter. Criteria: ACMG Guidelines, 2015. Collection method: clinical testing. Allele origin: germline.

PreventionGenetics, part of Exact Sciences
Classification: Benign for FSIP2-related condition. Last evaluated: 2019-09-19. Review status: no assertion criteria provided. Collection method: clinical testing. Allele origin: germline. Not counted in ClinVar's aggregate classification.
Comment: This variant is classified as benign based on ACMG/AMP sequence variant interpretation guidelines (Richards et al. 2015 PMID: 25741868, with internal and published modifications).

NM_173651.4(FSIP2):c.13890T>G (p.Val4630=)

Gene: FSIP2 (fibrous sheath interacting protein 2; plus strand). Cytogenetic location: 2q32.1.
Variant type: single nucleotide variant.
Coding change: c.13890T>G on transcript NM_173651.4 (MANE Select); coding-DNA position 13890, T replaced by G.
Protein change: p.Val4630=; no amino-acid change (valine 4630 retained).
Molecular consequence: synonymous variant.
Genome position (GRCh38, 1-based): chr2:185,803,196, T>G. VCF-style: chr2-185803196-T-G. GRCh37 (hg19) VCF-style: chr2-186667923-T-G.
Identifiers: ClinVar variation 3039766 (VCV003039766.3), dbSNP rs140730936, ClinGen allele CA2017054.
Genomic context (GRCh38, chr2:185,803,196, plus strand): 5'-GCAGTTATTTTATACCAGTGTTTACTCTTCAACATTCTTGGAAGATGTAATCTCTGGGGT[T>G]TTAAGAAAAATATTCCACAGGGTAGTAGGCATTGTACAAACAAAATCCATAAGAGATTCA-3'
Protein context (NP_775922.3, residues 4620-4640): STFLEDVISG[Val4630=]LRKIFHRVVG